The following is an entry in ClinVar:

ClinVar aggregate classification (germline): Uncertain significance (1 of 4 stars; one submission).

Conditions:
Werner syndrome (WRN). Identifiers: Orphanet 902, MedGen C0043119, MONDO:0010196, OMIM 277700.

Allele frequency attached by ClinVar (database versions not stated): gnomAD exomes below 0.00001; TOPMed below 0.00001.
gnomAD v4.1: 1 of 1,614,064 alleles (0.000062%); highest among the groups gnomAD compares: Admixed American, 0.0017%; no homozygotes.

Submission:

Labcorp Genetics (formerly Invitae), Labcorp
Classification: Uncertain significance for Werner syndrome. Last evaluated: 2023-11-27. Review status: criteria provided, single submitter. Criteria: Invitae Variant Classification Sherloc (09022015). Collection method: clinical testing. Allele origin: germline.
Comment: This sequence change replaces threonine with alanine at codon 781 of the WRN protein (p.Thr781Ala). The threonine residue is moderately conserved and there is a small physicochemical difference between threonine and alanine. This variant is present in population databases (no rsID available, gnomAD 0.003%). This variant has not been reported in the literature in individuals affected with WRN-related conditions. ClinVar contains an entry for this variant (Variation ID: 862685). Algorithms developed to predict the effect of missense changes on protein structure and function output the following: SIFT: "Not Available"; PolyPhen-2: "Benign"; Align-GVGD: "Not Available". The alanine amino acid residue is found in multiple mammalian species, which suggests that this missense change does not adversely affect protein function. In summary, the available evidence is currently insufficient to determine the role of this variant in disease. Therefore, it has been classified as a Variant of Uncertain Significance.

NM_000553.6(WRN):c.2341A>G (p.Thr781Ala)

Gene: WRN (WRN RecQ like helicase; plus strand). Cytogenetic location: 8p12.
Variant type: single nucleotide variant.
Coding change: c.2341A>G on transcript NM_000553.6 (MANE Select); coding-DNA position 2341, A replaced by G.
Protein change: p.Thr781Ala; replaces threonine 781 with alanine.
Molecular consequence: missense variant.
Genome position (GRCh38, 1-based): chr8:31,116,421, A>G. VCF-style: chr8-31116421-A-G. GRCh37 (hg19) VCF-style: chr8-30973937-A-G.
Other names: short protein forms T781A.
Identifiers: ClinVar variation 862685 (VCV000862685.6), dbSNP rs1425977829, ClinGen allele CA370913580.